The following is an entry in ClinVar:

NM_022167.4(XYLT2):c.2370G>A (p.Pro790=)

Gene: XYLT2 (xylosyltransferase 2; plus strand). Cytogenetic location: 17q21.33.
Variant type: single nucleotide variant.
Coding change: c.2370G>A on transcript NM_022167.4 (MANE Select); coding-DNA position 2370, G replaced by A.
Protein change: p.Pro790=; no amino-acid change (proline 790 retained).
Molecular consequence: synonymous variant.
Genome position (GRCh38, 1-based): chr17:50,360,063, G>A. VCF-style: chr17-50360063-G-A. GRCh37 (hg19) VCF-style: chr17-48437424-G-A.
Identifiers: ClinVar variation 755846 (VCV000755846.12), dbSNP rs138934622, ClinGen allele CA8646721.
Genomic context (GRCh38, chr17:50,360,063, plus strand): 5'-CAACGAGTACATGGAGCAGAGTTTCCAGGGCCTGAGTAGCATCCTGAACCTGCCTCAGCC[G>A]GAGCTCGCGGAGGAGGCTGCCCAGCGGCACACACAGCTCACAGGCCCTGCGCTCGAGGCC-3'
Protein context (NP_071450.2, residues 780-800): GLSSILNLPQ[Pro790=]ELAEEAAQRH

ClinVar aggregate classification (germline): Likely benign. Review status: criteria provided, multiple submitters, no conflicts (2 of 4 stars). 3 submissions from 3 submitters: Likely benign (2). 1 of the submissions does not count toward it. Last evaluated 2025-11-23.

Conditions:
XYLT2-related disorder. Also called: XYLT2-related condition.

Allele frequency attached by ClinVar (database versions not stated): gnomAD exomes 0.00004 and 0.00012; ExAC 0.00014; 1000 Genomes Project 30x 0.00016; 1000 Genomes Project 0.00020; TOPMed 0.00032; gnomAD 0.00033 and 0.00037; ESP Exome Variant Server 0.00054.
gnomAD v4.1: 113 of 1,613,946 alleles (0.007%); highest among the groups gnomAD compares: African/African-American, 0.12%; no homozygotes.

Submissions (3):

Labcorp Genetics (formerly Invitae), Labcorp
Classification: Likely benign. Last evaluated: 2025-11-23. Review status: criteria provided, single submitter. Criteria: Invitae Variant Classification Sherloc (09022015). Collection method: clinical testing. Allele origin: germline.

Blueprint Genetics
Classification: Likely benign. Last evaluated: 2024-04-24. Review status: criteria provided, single submitter. Criteria: ACMG Guidelines, 2015. Collection method: clinical testing. Allele origin: germline.

PreventionGenetics, part of Exact Sciences
Classification: Likely benign for XYLT2-related condition. Last evaluated: 2024-05-02. Review status: no assertion criteria provided. Collection method: clinical testing. Allele origin: germline. Not counted in ClinVar's aggregate classification.
Comment: This variant is classified as likely benign based on ACMG/AMP sequence variant interpretation guidelines (Richards et al. 2015 PMID: 25741868, with internal and published modifications).